The following is an entry in ClinVar:

ClinVar aggregate classification (germline): Uncertain significance (1 of 4 stars; one submission).

Submission:

CeGaT Center for Human Genetics Tuebingen
Classification: Uncertain significance. Last evaluated: 2022-04-01. Review status: criteria provided, single submitter. Criteria: CeGaT Center For Human Genetics Tuebingen Variant Classification Criteria Version 2. Collection method: clinical testing. Allele origin: germline. Affected: yes. Observed: 1 variant allele.
Comment: KIDINS220: PM2

NM_020738.4(KIDINS220):c.3148T>C (p.Cys1050Arg)

Gene: KIDINS220 (kinase D interacting substrate 220; minus strand). Cytogenetic location: 2p25.1.
Variant type: single nucleotide variant.
Coding change: c.3148T>C on transcript NM_020738.4 (MANE Select); coding-DNA position 3148, T replaced by C.
Protein change: p.Cys1050Arg; replaces cysteine 1050 with arginine.
Molecular consequence: missense variant. On other transcripts: non-coding transcript variant (2).
Genome position (GRCh38, 1-based): chr2:8,751,508, A>G on the plus strand (T>C on the coding strand, the complement: KIDINS220 is on the minus strand). VCF-style: chr2-8751508-A-G. GRCh37 (hg19) VCF-style: chr2-8891638-A-G.
Other names: c.3151T>C, p.Cys1051Arg (NM_001348729.2, NM_001348731.2, NM_001348734.2 and 2 more transcripts); c.3148T>C, p.Cys1050Arg (NM_001348732.2, NM_001348735.2, NM_001348738.2 and 3 more transcripts); c.3022T>C, p.Cys1008Arg (NM_001348736.2); short protein forms C1008R, C1050R, C1051R.
Identifiers: ClinVar variation 2650652 (VCV002650652.24), dbSNP rs2527632676, ClinGen allele CA345772275.